The following is an entry in ClinVar:

NM_000264.5(PTCH1):c.640G>A (p.Gly214Ser)

Gene: PTCH1 (patched 1; minus strand). Cytogenetic location: 9q22.32.
Variant type: single nucleotide variant.
Coding change: c.640G>A on transcript NM_000264.5 (MANE Select); coding-DNA position 640, G replaced by A.
Protein change: p.Gly214Ser; replaces glycine 214 with serine.
Molecular consequence: missense variant. On other transcripts: non-coding transcript variant (1).
Genome position (GRCh38, 1-based): chr9:95,482,148, C>T on the plus strand (G>A on the coding strand, the complement: PTCH1 is on the minus strand). VCF-style: chr9-95482148-C-T. GRCh37 (hg19) VCF-style: chr9-98244430-C-T.
Other names: c.442G>A, p.Gly148Ser (NM_001083602.3, NM_001354919.2); c.637G>A, p.Gly213Ser (NM_001083603.3); c.187G>A, p.Gly63Ser (NM_001083604.3, NM_001083605.3, NM_001083606.3 and 1 more transcripts); c.640G>A, p.Gly214Ser (NM_001354918.2); short protein forms G214S, G148S, G213S, G63S.
Identifiers: ClinVar variation 3635863 (VCV003635863.2).
Genomic context (GRCh38, chr9:95,482,148, plus strand): 5'-ACTGGGGTGTTCCTGAGAAATTTTTGCCAACAAGAAGAAAATATACCTGATCCATGTAAC[C>T]TGTTTCTGTGATAAGCTCTCCTGATTTGTAACACAAATGTTCCAATTTCCACTGCCTAAT-3'
Protein context (NP_000255.2, residues 204-224): YKSGELITET[Gly214Ser]YMDQIIEYLY

ClinVar aggregate classification (germline): Uncertain significance (1 of 4 stars; one submission).

Conditions:
Gorlin syndrome. Also called: Nevoid Basal Cell Carcinoma Syndrome; Basal cell nevus syndrome. Identifiers: Orphanet 377, MedGen C0004779, MONDO:0007187.

Submission:

Labcorp Genetics (formerly Invitae), Labcorp
Classification: Uncertain significance for Gorlin syndrome. Last evaluated: 2024-09-12. Review status: criteria provided, single submitter. Criteria: Invitae Variant Classification Sherloc (09022015). Collection method: clinical testing. Allele origin: germline.
Comment: This sequence change replaces glycine, which is neutral and non-polar, with serine, which is neutral and polar, at codon 214 of the PTCH1 protein (p.Gly214Ser). This variant is not present in population databases (gnomAD no frequency). This variant has not been reported in the literature in individuals affected with PTCH1-related conditions. Invitae Evidence Modeling of protein sequence and biophysical properties (such as structural, functional, and spatial information, amino acid conservation, physicochemical variation, residue mobility, and thermodynamic stability) indicates that this missense variant is not expected to disrupt PTCH1 protein function with a negative predictive value of 95%. In summary, the available evidence is currently insufficient to determine the role of this variant in disease. Therefore, it has been classified as a Variant of Uncertain Significance.